The following continues an entry in ClinVar:

NM_007294.4(BRCA1):c.1384G>A (p.Gly462Arg)

Gene: BRCA1. ClinVar aggregate classification (germline): Conflicting classifications of pathogenicity. Uncertain significance (9); Likely benign (2).

Submissions 7 to 16 of 16:

Color Diagnostics, LLC DBA Color Health
Classification: Uncertain significance for Hereditary cancer-predisposing syndrome. Last evaluated: 2024-08-07. Review status: criteria provided, single submitter. Criteria: ACMG Guidelines, 2015. Collection method: clinical testing. Allele origin: germline.
Comment: This missense variant replaces glycine with arginine at codon 462 of the BRCA1 protein. Computational prediction suggests that this variant may have deleterious impact on protein structure and function. A functional study reported that this variant did not have a significant impact on BRCA1 function in a homology-directed repair assay (PMID: 26689913). While a second functional study using patient-derived immortalized pluripotent cells reported that this variant impacted homology-directed repair and other activities (PMID: 34855882). This variant has been detected in a breast cancer case-control meta-analysis in 3/60466 cases and 1/53461 unaffected individuals (PMID: 33471991; Leiden Open Variation Database DB-ID BRCA1_000146) and in one individual each affected with lung or breast cancer (PMID: 26689913, 34855882). This variant also has been detected in two females over age 70 and unaffected by cancer (FLOSSIES database) and in an individual affected with ovarian who has a pathogenic BRCA2 mutation (PMID: 34326862). Multifactorial analyses have reported likelihood ratios for pathogenicity based on health history, tumor pathology and health history that resulted in a combined LR less than 0.002 (PMID: 31853058, 34597585; Color internal data). This variant has been identified in 3/251048 chromosomes in the general population by the Genome Aggregation Database (gnomAD). Although there is a suspicion that this variant may not be associated with disease, additional functional studies are necessary to determine the role of this variant in disease conclusively. Therefore, this variant is classified as a Variant of Uncertain Significance.

Quest Diagnostics Nichols Institute San Juan Capistrano
Classification: Uncertain significance. Last evaluated: 2023-11-08. Review status: criteria provided, single submitter. Criteria: Quest Diagnostics criteria. Collection method: clinical testing. Allele origin: unknown.
Comment: The BRCA1 c.1384G>A (p.Gly462Arg) variant has been reported in the published literature in individuals and families with breast and/or ovarian cancer (PMID: 18273839 (2008), 34855882 (2021), 34597585(2021)) and skin cutaneous melanoma (PMID: 36451132 (2022)). In a large breast cancer association study, this variant was reported both in healthy individuals and individuals with breast cancer (PMID: 33471991 (2021), see also LOVD)). Additionally, functional studies have shown conflicting results of this variant's impact on DNA repair (PMID: 26689913 (2015), 34855882 (2021)). The frequency of this variant in the general population, 0.000026 (3/113478 chromosomes (Genome Aggregation Database)), is uninformative in the assessment of its pathogenicity. Analysis of this variant using bioinformatics tools for the prediction of the effect of amino acid changes on protein structure and function yielded predictions that this variant is damaging. Based on the available information, we are unable to determine the clinical significance of this variant.

All of Us Research Program, National Institutes of Health
Classification: Uncertain significance for Breast-ovarian cancer, familial, susceptibility to, 1. Last evaluated: 2023-04-03. Review status: criteria provided, single submitter. Criteria: ACMG Guidelines, 2015. Collection method: clinical testing. Allele origin: germline. Inheritance: Autosomal dominant inheritance. Observed: 2 variant alleles, 2 heterozygotes.
Comment: This missense variant replaces glycine with arginine at codon 462 of the BRCA1 protein. Computational prediction suggests that this variant may have deleterious impact on protein structure and function (internally defined REVEL score threshold >= 0.7, PMID: 27666373). A functional study reported that this variant has a modest impact on BRCA1 function in a homology-directed repair assay (PMID: 26689913). This variant has been detected in a breast cancer case-control meta-analysis in 3/60466 cases and 1/53461 unaffected individuals (PMID: 33471991; Leiden Open Variation Database DB-ID BRCA1_000146) and in an individual affected with lung cancer (PMID: 26689913). This variant has been identified in 3/251048 chromosomes in the general population by the Genome Aggregation Database (gnomAD). The available evidence is insufficient to determine the role of this variant in disease conclusively. Therefore, this variant is classified as a Variant of Uncertain Significance.

This study involves interpretation of variants in research participants for the purpose of population health screening. Participant phenotype was not available at the time of variant classification. Additional details can be found in publication PMID: 35346344, PMCID: PMC8962531

University of Washington Department of Laboratory Medicine, University of Washington
Classification: Likely benign for Hereditary cancer-predisposing syndrome. Last evaluated: 2023-03-23. Review status: criteria provided, single submitter. Criteria: Dines et al. (Genet Med. 2020). Collection method: curation. Allele origin: germline.
Comment: Missense variant in a coldspot region where missense variants are very unlikely to be pathogenic (PMID:31911673).

BRCA1 coldspot (exon 11 using historical exon numbering). Reclassification based on statistical prior probability

St. Jude Molecular Pathology, St. Jude Children's Research Hospital
Classification: Uncertain significance for Hereditary breast ovarian cancer syndrome. Last evaluated: 2021-10-11. Review status: criteria provided, single submitter. Criteria: St. Jude Assertion Criteria 2020. Collection method: clinical testing. Allele origin: germline.
Comment: The BRCA1 c.1384G>A (p.Gly462Arg) missense change has a maximum subpopulation frequency of 0.0026% in gnomAD v2.1.1. Seven of seven in silico tools predict a deleterious effect of this variant on protein function (PP3), however in vitro functional studies have shown that this variant results in ~85% of homology-directed repair (HDR) activity of the BRCA1 protein compared to wild-type (PMID: 26689913). This variant has been reported in individuals with urothelial carcinoma, head and neck squamous cell carcinoma, lung squamous cell carcinoma, and skin cutaneous melanoma (PMID: 29625052). In addition, two individuals with this variant are reported in a database of women older than 70 years of age who have never had cancer (FLOSSIES database). In summary, this variant meets criteria to be classified as of uncertain significance based on the ACMG/AMP criteria: PP3, BS3.

PreventionGenetics, part of Exact Sciences
Classification: Uncertain significance for BRCA1-related condition. Last evaluated: 2023-10-30. Review status: no assertion criteria provided. Collection method: clinical testing. Allele origin: germline. Not counted in ClinVar's aggregate classification.
Comment: The BRCA1 c.1384G>A variant is predicted to result in the amino acid substitution p.Gly462Arg. This variant has been reported in individuals with breast/ovarian cancer, bladder urothelial carcinoma, head and neck squamous cell carcinoma, lung squamous cell carcinoma, skin cutaneous melanoma, Cowden/Cowden-like and Bannayan-Riley-Ruvalcaba syndromes (BRRS) (Anczuków et al. 2008. PubMed ID: 18273839. Table S1; Coulet et al. 2010. PubMed ID: 20858050; Lu et al. 2015. PubMed ID: 26689913. Table S12; Huang et al. 2018. PubMed ID: 29625052. Table S2B; Yehia et al. 2018. PubMed ID: 29684080. Table S9). Functional studies showed that this variant does not have an impact on splicing using a BRCA1 minigene and RT-PCR assay (Anczuków et al. 2008. PubMed ID: 18273839. Table S1) and retains 85% of wild type repair function (Lu et al. 2015. PubMed ID: 26689913. Table S22). This variant is reported in 0.0026% of alleles in individuals of European (Non-Finnish) descent in gnomAD. In ClinVar, this variant has conflicting interpretations, including likely benign and uncertain. At this time, the clinical significance of this variant is uncertain due to the absence of conclusive functional and genetic evidence.

Counsyl
Classification: Uncertain significance for Breast-ovarian cancer, familial, susceptibility to, 1. Last evaluated: 2017-02-14. Review status: no assertion criteria provided. Collection method: clinical testing. Allele origin: unknown. Not counted in ClinVar's aggregate classification.

CSER _CC_NCGL, University of Washington
Classification: Uncertain significance for Breast and/or ovarian cancer. Last evaluated: 2014-06-01. Review status: no assertion criteria provided. Collection method: research. Allele origin: germline. Inheritance: Autosomal dominant inheritance. Study: ESP 6500 variant annotation. Not counted in ClinVar's aggregate classification.
Comment: Variants classified for the Actionable exomic incidental findings in 6503 participants: challenges of variant classification manuscript

Sharing Clinical Reports Project (SCRP)
Classification: Uncertain significance for Breast-ovarian cancer, familial 1. Last evaluated: 2009-04-21. Review status: no assertion criteria provided. Collection method: clinical testing. Allele origin: germline. Not counted in ClinVar's aggregate classification.

Breast Cancer Information Core (BIC) (BRCA1)
Classification: Uncertain significance for Breast-ovarian cancer, familial 1. Last evaluated: 1997-09-15. Review status: no assertion criteria provided. Collection method: clinical testing. Allele origin: germline. Affected: yes. Observed: 1 variant allele. Not counted in ClinVar's aggregate classification.

Literature cited by the submitters: PubMed 34326862 (cited by Labcorp Genetics (formerly Invitae), Labcorp and Color Diagnostics, LLC DBA Color Health); PubMed 34855882 (cited by 4 submitters); PubMed 35534704 (cited by Labcorp Genetics (formerly Invitae), Labcorp); PubMed 26689913 (cited by 7 submitters); PubMed 20858050 (cited by 4 submitters); PubMed 18273839 (cited by 3 submitters); PubMed 34597585 (cited by 3 submitters); PubMed 36451132 (cited by Women's Health and Genetics/Laboratory Corporation of America, LabCorp and Quest Diagnostics Nichols Institute San Juan Capistrano); PubMed 12531920 (cited by Ambry Genetics and Counsyl); PubMed 15001988 (cited by Ambry Genetics); PubMed 15385441 (cited by Ambry Genetics and Counsyl); PubMed 16518693 (cited by Ambry Genetics and Counsyl); PubMed 29684080 (cited by Ambry Genetics); PubMed 31853058 (cited by Color Diagnostics, LLC DBA Color Health); PubMed 33471991 (cited by 3 submitters); PubMed 34749799 (cited by Quest Diagnostics Nichols Institute San Juan Capistrano); PubMed 25637381 (cited by Quest Diagnostics Nichols Institute San Juan Capistrano and Counsyl); PubMed 29625052 (cited by Quest Diagnostics Nichols Institute San Juan Capistrano).